The following is an entry in ClinVar:

NM_001363118.2(SLC52A2):c.1165G>T (p.Val389Leu)

Gene: SLC52A2 (solute carrier family 52 member 2; plus strand). Cytogenetic location: 8q24.3.
Variant type: single nucleotide variant.
Coding change: c.1165G>T on transcript NM_001363118.2 (MANE Select); coding-DNA position 1165, G replaced by T.
Protein change: p.Val389Leu; replaces valine 389 with leucine.
Molecular consequence: missense variant. On other transcripts: non-coding transcript variant (1).
Genome position (GRCh38, 1-based): chr8:144,360,842, G>T. VCF-style: chr8-144360842-G-T. GRCh37 (hg19) VCF-style: chr8-145584502-G-T.
Other names: c.1165G>T, p.Val389Leu (NM_001253815.2, NM_001253816.2, NM_001363120.2 and 2 more transcripts); c.673G>T, p.Val225Leu (NM_001363122.2); short protein forms V225L, V389L.
Identifiers: ClinVar variation 1009201 (VCV001009201.5), dbSNP rs782200719, ClinGen allele CA372629429.

ClinVar aggregate classification (germline): Uncertain significance (1 of 4 stars; one submission).

Conditions:
Brown-Vialetto-van Laere syndrome 2. Also called: Riboflavin transporter deficiency type 2; SPINOCEREBELLAR ATAXIA WITH BLINDNESS AND DEAFNESS 2. Identifiers: Orphanet 572543, Orphanet 97229, MedGen C3553538, MONDO:0013867, OMIM 614707.

Submission:

Labcorp Genetics (formerly Invitae), Labcorp
Classification: Uncertain significance for Brown-Vialetto-van Laere syndrome 2. Last evaluated: 2020-03-05. Review status: criteria provided, single submitter. Criteria: Invitae Variant Classification Sherloc (09022015). Collection method: clinical testing. Allele origin: germline.
Comment: In summary, the available evidence is currently insufficient to determine the role of this variant in disease. Therefore, it has been classified as a Variant of Uncertain Significance. Algorithms developed to predict the effect of missense changes on protein structure and function (SIFT, PolyPhen-2, Align-GVGD) all suggest that this variant is likely to be tolerated, but these predictions have not been confirmed by published functional studies and their clinical significance is uncertain. This variant has not been reported in the literature in individuals with SLC52A2-related conditions. This variant is not present in population databases (ExAC no frequency). This sequence change replaces valine with leucine at codon 389 of the SLC52A2 protein (p.Val389Leu). The valine residue is moderately conserved and there is a small physicochemical difference between valine and leucine.